The following is an entry in ClinVar:

ClinVar aggregate classification (germline): other (0 of 4 stars; one submission).

Conditions:
Familial colorectal cancer. Identifiers: MedGen CN280943, MONDO:0023113. Disease mechanism: loss of function.

Submission:

Systems Biology Platform Zhejiang California International NanoSystems Institute
Classification: other for Familial colorectal cancer. Review status: no assertion criteria provided. Collection method: not provided. Allele origin: unknown.
ClinVar note: Converted during submission from cancer to other.

NM_000038.6(APC):c.1313-892C>A

Gene: APC (APC regulator of WNT signaling pathway; plus strand). Cytogenetic location: 5q22.2.
Variant type: single nucleotide variant.
Coding change: c.1313-892C>A on transcript NM_000038.6 (MANE Select); 892 bases into the intron before coding-DNA position 1313, C replaced by A.
Molecular consequence: intron variant.
Genome position (GRCh38, 1-based): chr5:112,821,004, C>A. VCF-style: chr5-112821004-C-A. GRCh37 (hg19) VCF-style: chr5-112156701-C-A.
Other names: c.1313-892C>A (NM_001354895.2, NM_001127510.3, NM_001354896.2); c.1343-892C>A (NM_001354897.2); c.1040-892C>A (NM_001354902.2); c.1259-892C>A (NM_001127511.3); c.1238-892C>A (NM_001354898.2); c.935-892C>A (NM_001354904.2); c.464-892C>A (NM_001354906.2); c.1010-892C>A (NM_001354903.2); and 3 more.
Identifiers: ClinVar variation 83133 (VCV000083133.2), dbSNP rs76420505, ClinGen allele CA004232.